The following is an entry in ClinVar:

ClinVar aggregate classification (germline): Uncertain significance. Review status: criteria provided, multiple submitters, no conflicts (2 of 4 stars). 2 submissions from 2 submitters: Uncertain significance (2). Last evaluated 2024-09-02.

Allele frequency attached by ClinVar (database versions not stated): gnomAD 0.00011; gnomAD exomes 0.00011; TOPMed 0.00013; ESP Exome Variant Server 0.00016.
gnomAD v4.1: 295 of 1,613,570 alleles (0.018%); highest among the groups gnomAD compares: Non-Finnish European, 0.023%; no homozygotes.

Submissions (2):

Labcorp Genetics (formerly Invitae), Labcorp
Classification: Uncertain significance. Last evaluated: 2024-09-02. Review status: criteria provided, single submitter. Criteria: Invitae Variant Classification Sherloc (09022015). Collection method: clinical testing. Allele origin: germline.
Comment: This sequence change replaces asparagine, which is neutral and polar, with serine, which is neutral and polar, at codon 419 of the EIF2AK4 protein (p.Asn419Ser). This variant is present in population databases (rs370892103, gnomAD 0.02%). This missense change has been observed in individual(s) with pulmonary arterial hypertension (PMID: 29743074). ClinVar contains an entry for this variant (Variation ID: 1303029). Invitae Evidence Modeling of protein sequence and biophysical properties (such as structural, functional, and spatial information, amino acid conservation, physicochemical variation, residue mobility, and thermodynamic stability) indicates that this missense variant is not expected to disrupt EIF2AK4 protein function with a negative predictive value of 95%. In summary, the available evidence is currently insufficient to determine the role of this variant in disease. Therefore, it has been classified as a Variant of Uncertain Significance.

GeneDx
Classification: Uncertain significance. Last evaluated: 2020-06-11. Review status: criteria provided, single submitter. Criteria: GeneDx Variant Classification Process June 2021. Collection method: clinical testing. Allele origin: germline. Affected: yes.
Comment: In silico analysis supports that this missense variant has a deleterious effect on protein structure/function; This variant is associated with the following publications: (PMID: 29743074)

Literature cited by the submitters: PubMed 29743074 (cited by Labcorp Genetics (formerly Invitae), Labcorp).

NM_001013703.4(EIF2AK4):c.1256A>G (p.Asn419Ser)

Gene: EIF2AK4 (eukaryotic translation initiation factor 2 alpha kinase 4; plus strand). Cytogenetic location: 15q15.1.
Variant type: single nucleotide variant.
Coding change: c.1256A>G on transcript NM_001013703.4 (MANE Select); coding-DNA position 1256, A replaced by G.
Protein change: p.Asn419Ser; replaces asparagine 419 with serine.
Molecular consequence: missense variant.
Genome position (GRCh38, 1-based): chr15:39,967,582, A>G. VCF-style: chr15-39967582-A-G. GRCh37 (hg19) VCF-style: chr15-40259783-A-G.
Other names: short protein forms N419S.
Identifiers: ClinVar variation 1303029 (VCV001303029.4), dbSNP rs370892103, ClinGen allele CA7473735.